The following is an entry in ClinVar:

ClinVar aggregate classification (germline): Uncertain significance (1 of 4 stars; one submission).

Conditions:
Hypokalemic periodic paralysis, type 1. Also called: HypoPP; Hypokalemic Periodic Paralysis Type 1 (AD). Identifiers: Orphanet 681, MedGen C3714580, MONDO:0042979, OMIM 170400.
Malignant hyperthermia, susceptibility to, 5 (MHS5). Also called: CACNA1S-Related Malignant Hyperthermia Susceptibility. Identifiers: Orphanet 423, MedGen C1866077, MONDO:0011163, OMIM 601887.

Submission:

Labcorp Genetics (formerly Invitae), Labcorp
Classification: Uncertain significance for Hypokalemic periodic paralysis, type 1; Malignant hyperthermia, susceptibility to, 5. Last evaluated: 2024-11-21. Review status: criteria provided, single submitter. Criteria: Invitae Variant Classification Sherloc (09022015). Collection method: clinical testing. Allele origin: germline.
Comment: This sequence change replaces serine, which is neutral and polar, with phenylalanine, which is neutral and non-polar, at codon 1853 of the CACNA1S protein (p.Ser1853Phe). This variant is not present in population databases (gnomAD no frequency). This variant has not been reported in the literature in individuals affected with CACNA1S-related conditions. Invitae Evidence Modeling of protein sequence and biophysical properties (such as structural, functional, and spatial information, amino acid conservation, physicochemical variation, residue mobility, and thermodynamic stability) has been performed for this missense variant. However, the output from this modeling did not meet the statistical confidence thresholds required to predict the impact of this variant on CACNA1S protein function. In summary, the available evidence is currently insufficient to determine the role of this variant in disease. Therefore, it has been classified as a Variant of Uncertain Significance.

NM_000069.3(CACNA1S):c.5558C>T (p.Ser1853Phe)

Gene: CACNA1S (calcium voltage-gated channel subunit alpha1 S; minus strand). Cytogenetic location: 1q32.1.
Variant type: single nucleotide variant.
Coding change: c.5558C>T on transcript NM_000069.3 (MANE Select); coding-DNA position 5558, C replaced by T.
Protein change: p.Ser1853Phe; replaces serine 1853 with phenylalanine.
Molecular consequence: missense variant.
Genome position (GRCh38, 1-based): chr1:201,039,895, G>A on the plus strand (C>T on the coding strand, the complement: CACNA1S is on the minus strand). VCF-style: chr1-201039895-G-A. GRCh37 (hg19) VCF-style: chr1-201009023-G-A.
Other names: short protein forms S1853F.
Identifiers: ClinVar variation 3751521 (VCV003751521.2).